The following is an entry in ClinVar:

ClinVar aggregate classification (germline): Uncertain significance (1 of 4 stars; one submission).

Conditions:
Progressive familial heart block type IB (PFHB1B). Identifiers: Orphanet 871, MedGen C1970298, MONDO:0011474, OMIM 604559.

Submission:

Labcorp Genetics (formerly Invitae), Labcorp
Classification: Uncertain significance for Progressive familial heart block type IB. Last evaluated: 2025-02-23. Review status: criteria provided, single submitter. Criteria: Invitae Variant Classification Sherloc (09022015). Collection method: clinical testing. Allele origin: germline.
Comment: This sequence change replaces alanine, which is neutral and non-polar, with serine, which is neutral and polar, at codon 1074 of the TRPM4 protein (p.Ala1074Ser). This variant is not present in population databases (gnomAD no frequency). This variant has not been reported in the literature in individuals affected with TRPM4-related conditions. An algorithm developed to predict the effect of missense changes on protein structure and function (PolyPhen-2) suggests that this variant is likely to be disruptive. In summary, the available evidence is currently insufficient to determine the role of this variant in disease. Therefore, it has been classified as a Variant of Uncertain Significance.

NM_017636.4(TRPM4):c.3220G>T (p.Ala1074Ser)

Gene: TRPM4 (transient receptor potential cation channel subfamily M member 4; plus strand). Cytogenetic location: 19q13.33.
Variant type: single nucleotide variant.
Coding change: c.3220G>T on transcript NM_017636.4 (MANE Select); coding-DNA position 3220, G replaced by T.
Protein change: p.Ala1074Ser; replaces alanine 1074 with serine.
Molecular consequence: missense variant.
Genome position (GRCh38, 1-based): chr19:49,210,297, G>T. VCF-style: chr19-49210297-G-T. GRCh37 (hg19) VCF-style: chr19-49713554-G-T.
Other names: c.2785G>T, p.Ala929Ser (NM_001195227.2); c.2875G>T, p.Ala959Ser (NM_001321281.2); c.1612G>T, p.Ala538Ser (NM_001321282.2); c.2698G>T, p.Ala900Ser (NM_001321283.2); c.2158G>T, p.Ala720Ser (NM_001321285.2); short protein forms A720S, A959S, A1074S, A538S, A929S, A900S.
Identifiers: ClinVar variation 4713676 (VCV004713676.1).